The following is an entry in ClinVar:

ClinVar aggregate classification (germline): Uncertain significance (1 of 4 stars; one submission).

Conditions:
Hereditary sensory and autonomic neuropathy type 6. Also called: Neuropathy, hereditary sensory and autonomic, type VI; HSAN VI. Identifiers: Orphanet 314381, MedGen C3539003, MONDO:0013839, OMIM 614653.
Epidermolysis bullosa simplex 3, localized or generalized intermediate, with BP230 deficiency (EBS3). Also called: Epidermolysis bullosa simplex, autosomal recessive 2; Epidermolysis bullosa simplex due to BP230 deficiency. Identifiers: Orphanet 412181, MedGen C3809470, MONDO:0014180, OMIM 615425.

Submission:

Labcorp Genetics (formerly Invitae), Labcorp
Classification: Uncertain significance for Epidermolysis bullosa simplex 3, localized or generalized intermediate, with BP230 deficiency; Hereditary sensory and autonomic neuropathy type 6. Last evaluated: 2021-12-25. Review status: criteria provided, single submitter. Criteria: Invitae Variant Classification Sherloc (09022015). Collection method: clinical testing. Allele origin: germline.
Comment: The DST gene has multiple clinically relevant transcripts. This variant occurs in alternate transcript NM_015548.4, and corresponds to NM_001723.5:c.*141560G>A in the primary transcript. This sequence change replaces valine, which is neutral and non-polar, with isoleucine, which is neutral and non-polar, at codon 4681 of the DST protein (p.Val4681Ile). This variant is not present in population databases (gnomAD no frequency). This variant has not been reported in the literature in individuals affected with DST-related conditions. Experimental studies and prediction algorithms are not available or were not evaluated, and the functional significance of this variant is currently unknown. In summary, the available evidence is currently insufficient to determine the role of this variant in disease. Therefore, it has been classified as a Variant of Uncertain Significance.

NM_001374736.1(DST):c.21910G>A (p.Val7304Ile)

Gene: DST (dystonin; minus strand). Cytogenetic location: 6p12.1.
Variant type: single nucleotide variant.
Coding change: c.21910G>A on transcript NM_001374736.1 (MANE Select); coding-DNA position 21910, G replaced by A.
Protein change: p.Val7304Ile; replaces valine 7304 with isoleucine.
Molecular consequence: missense variant.
Genome position (GRCh38, 1-based): chr6:56,473,957, C>T on the plus strand (G>A on the coding strand, the complement: DST is on the minus strand). VCF-style: chr6-56473957-C-T. GRCh37 (hg19) VCF-style: chr6-56338755-C-T.
Other names: c.15553G>A, p.Val5185Ile (NM_001144769.5); c.15139G>A, p.Val5047Ile (NM_001144770.2); c.21910G>A, p.Val7304Ile (NM_001374722.1); c.20950G>A, p.Val6984Ile (NM_001374729.1); c.14692G>A, p.Val4898Ile (NM_001374730.1); c.21937G>A, p.Val7313Ile (NM_001374734.1); c.15019G>A, p.Val5007Ile (NM_001386100.1, NM_183380.4); c.14041G>A, p.Val4681Ile (NM_015548.5); short protein forms V7313I, V4681I, V4898I, V5047I, V5185I, V6984I, V5007I, V7304I.
Identifiers: ClinVar variation 2059637 (VCV002059637.4), dbSNP rs2533509335, ClinGen allele CA364509674.